The following is an entry in ClinVar:

ClinVar aggregate classification (germline): Benign (1 of 4 stars; one submission).

Conditions:
Hemochromatosis type 4 (HFE4). Also called: HEMOCHROMATOSIS DUE TO DEFECT IN FERROPORTIN; HEMOCHROMATOSIS, AUTOSOMAL DOMINANT; Ferroportin disease. Identifiers: Orphanet 139491, Orphanet 647834, Orphanet 648562, MedGen C1853733, MONDO:0011631, OMIM 606069.

Allele frequency attached by ClinVar (database versions not stated): gnomAD 0.00167 and 0.00184; TOPMed 0.00178; 1000 Genomes Project 0.00200; 1000 Genomes Project 30x 0.00234.

Submission:

Illumina Laboratory Services, Illumina
Classification: Benign for Hemochromatosis type 4. Last evaluated: 2018-01-13. Review status: criteria provided, single submitter. Criteria: ICSL Variant Classification Criteria 13 December 2019. Collection method: clinical testing. Allele origin: germline.
Comment: This variant was observed in the ICSL laboratory as part of a predisposition screen in an ostensibly healthy population. It had not been previously curated by ICSL or reported in the Human Gene Mutation Database (HGMD: prior to June 1st, 2018), and was therefore a candidate for classification through an automated scoring system. Utilizing variant allele frequency, disease prevalence and penetrance estimates, and inheritance mode, an automated score was calculated to assess if this variant is too frequent to cause the disease. Based on the score and internal cut-off values, a variant classified as benign is not then subjected to further curation. The score for this variant resulted in a classification of benign for this disease.

NM_014585.6(SLC40A1):c.*1123C>T

Gene: SLC40A1 (solute carrier family 40 member 1; minus strand). Cytogenetic location: 2q32.2.
Variant type: single nucleotide variant.
Coding change: c.*1123C>T on transcript NM_014585.6 (MANE Select); 1123 bases downstream of the stop codon, C replaced by T.
Molecular consequence: 3 prime UTR variant.
Genome position (GRCh38, 1-based): chr2:189,560,755, G>A on the plus strand (C>T on the coding strand, the complement: SLC40A1 is on the minus strand). VCF-style: chr2-189560755-G-A. GRCh37 (hg19) VCF-style: chr2-190425481-G-A.
Identifiers: ClinVar variation 333154 (VCV000333154.5), dbSNP rs145534461, ClinGen allele CA10611794.